The following is an entry in ClinVar:

NM_007118.4(TRIO):c.8515C>G (p.His2839Asp)

Gene: TRIO (trio Rho guanine nucleotide exchange factor; plus strand). Cytogenetic location: 5p15.2.
Variant type: single nucleotide variant.
Coding change: c.8515C>G on transcript NM_007118.4 (MANE Select); coding-DNA position 8515, C replaced by G.
Protein change: p.His2839Asp; replaces histidine 2839 with aspartic acid.
Molecular consequence: missense variant. On other transcripts: non-coding transcript variant (1).
Genome position (GRCh38, 1-based): chr5:14,504,496, C>G. VCF-style: chr5-14504496-C-G. GRCh37 (hg19) VCF-style: chr5-14504605-C-G.
Other names: short protein forms H2839D.
Identifiers: ClinVar variation 1710623 (VCV001710623.2), dbSNP rs2477691158, ClinGen allele CA359240106.
Genomic context (GRCh38, chr5:14,504,496, plus strand): 5'-AAGCGAGCAGTGGCCACTAAGTTTGTGAACAAGAAGTTGATGAAGCGCGACCAGGTCACC[C>G]ATGAGCTTGGCATCCTGCAGAGCCTCCAGCACCCCCTGCTTGTCGGCCTCCTCGACACCT-3'
Protein context (NP_009049.2, residues 2829-2849): KKLMKRDQVT[His2839Asp]ELGILQSLQH

ClinVar aggregate classification (germline): Uncertain significance (1 of 4 stars; one submission).

Submission:

GeneDx
Classification: Uncertain significance. Last evaluated: 2022-04-12. Review status: criteria provided, single submitter. Criteria: GeneDx Variant Classification Process June 2021. Collection method: clinical testing. Allele origin: germline. Affected: yes.
Comment: Not observed at significant frequency in large population cohorts (gnomAD); In silico analysis supports that this missense variant has a deleterious effect on protein structure/function; Has not been previously published as pathogenic or benign to our knowledge